The following is an entry in ClinVar:

ClinVar aggregate classification (germline): Likely benign. Review status: criteria provided, multiple submitters, no conflicts (2 of 4 stars). 6 submissions from 6 submitters: Likely benign (5). 1 of the submissions does not count toward it. Last evaluated 2025-11-03.

Conditions:
Autosomal recessive limb-girdle muscular dystrophy type 2J (LGMDR10). Also called: Limb-girdle muscular dystrophy, type 2J; MUSCULAR DYSTROPHY, LIMB-GIRDLE, AUTOSOMAL RECESSIVE 10. Identifiers: Orphanet 140922, MedGen C1837342, MONDO:0012127, OMIM 608807.
Dilated cardiomyopathy 1G (CMD1G). Identifiers: Orphanet 154, MedGen C1858763, MONDO:0011400, OMIM 604145.
TTN-related disorder. Also called: TTN-related disorders; TTN-related condition; TTN-related disease.
Cardiovascular phenotype. Identifiers: MedGen CN230736.

Allele frequency attached by ClinVar (database versions not stated): ExAC 0.00002; gnomAD exomes 0.00002 and 0.00004; TOPMed 0.00002; gnomAD 0.00003; ESP Exome Variant Server 0.00008.
gnomAD v4.1: 56 of 1,612,516 alleles (0.0035%); highest among the groups gnomAD compares: Non-Finnish European, 0.0046%; no homozygotes.

Submissions (6):

Labcorp Genetics (formerly Invitae), Labcorp
Classification: Likely benign for Dilated cardiomyopathy 1G; Autosomal recessive limb-girdle muscular dystrophy type 2J. Last evaluated: 2025-11-03. Review status: criteria provided, single submitter. Criteria: Invitae Variant Classification Sherloc (09022015). Collection method: clinical testing. Allele origin: germline.

Blueprint Genetics
Classification: Likely benign. Last evaluated: 2022-09-09. Review status: criteria provided, single submitter. Criteria: ACMG Guidelines, 2015. Collection method: clinical testing. Allele origin: germline.

Ambry Genetics
Classification: Likely benign for Cardiovascular phenotype. Last evaluated: 2019-10-20. Review status: criteria provided, single submitter. Criteria: Ambry Variant Classification Scheme 2023. Collection method: clinical testing. Allele origin: germline.

GeneDx
Classification: Likely benign. Last evaluated: 2018-02-13. Review status: criteria provided, single submitter. Criteria: GeneDx Variant Classification (06012015). Collection method: clinical testing. Allele origin: germline. Affected: yes.
Comment: This variant is considered likely benign or benign based on one or more of the following criteria: it is a conservative change, it occurs at a poorly conserved position in the protein, it is predicted to be benign by multiple in silico algorithms, and/or has population frequency not consistent with disease.

Laboratory for Molecular Medicine, Mass General Brigham Personalized Medicine
Classification: Likely benign. Last evaluated: 2015-06-12. Review status: criteria provided, single submitter. Criteria: LMM Criteria. Collection method: clinical testing. Allele origin: germline. Observed: 1 variant allele.
Comment: p.Asp13439Asp in exon 205 of TTN: This variant is not expected to have clinical significance because it does not alter an amino acid residue and is not located within the splice consensus sequence. It has been identified in 2/66562 European chromosomes by the Exome Aggregation Consortium (ExAC; dbSNP rs368404578).

PreventionGenetics, part of Exact Sciences
Classification: Likely benign for TTN-related condition. Last evaluated: 2020-05-21. Review status: no assertion criteria provided. Collection method: clinical testing. Allele origin: germline. Not counted in ClinVar's aggregate classification.
Comment: This variant is classified as likely benign based on ACMG/AMP sequence variant interpretation guidelines (Richards et al. 2015 PMID: 25741868, with internal and published modifications).

NM_001267550.2(TTN):c.48021C>T (p.Asp16007=)

Genes: TTN (titin; minus strand), TTN-AS1 (TTN antisense RNA 1; plus strand). Cytogenetic location: 2q31.2.
Variant type: single nucleotide variant.
Coding change: c.48021C>T on transcript NM_001267550.2 (MANE Select); coding-DNA position 48021, C replaced by T.
Protein change: p.Asp16007=; no amino-acid change (aspartic acid 16007 retained).
Molecular consequence: synonymous variant.
Genome position (GRCh38, 1-based): chr2:178,616,868, G>A on the plus strand (C>T on the coding strand, the complement: TTN is on the minus strand). VCF-style: chr2-178616868-G-A. GRCh37 (hg19) VCF-style: chr2-179481595-G-A.
Other names: c.43098C>T, p.Asp14366= (NM_001256850.1); c.40317C>T, p.Asp13439= (NM_133378.4); c.20826C>T, p.Asp6942= (NM_003319.4); c.21201C>T, p.Asp7067= (NM_133432.3); c.21402C>T, p.Asp7134= (NM_133437.4).
Identifiers: ClinVar variation 228099 (VCV000228099.19), dbSNP rs368404578, ClinGen allele CA1994931.